The following is an entry in ClinVar:

ClinVar aggregate classification (germline): Conflicting classifications of pathogenicity. Review status: criteria provided, conflicting classifications (1 of 4 stars). 4 submissions from 4 submitters: Uncertain significance (1); Likely benign (2). 1 of the submissions does not count toward it. Last evaluated 2026-01-27.

Conditions:
CACNA1F-related disorder. Also called: CACNA1F-related condition.

Submissions (4):

Labcorp Genetics (formerly Invitae), Labcorp
Classification: Uncertain significance. Last evaluated: 2026-01-27. Review status: criteria provided, single submitter. Criteria: Invitae Variant Classification Sherloc (09022015). Collection method: clinical testing. Allele origin: germline.
Comment: This variant, c.2466_2474del, results in the deletion of 3 amino acid(s) of the CACNA1F protein (p.Glu823_Glu825del), but otherwise preserves the integrity of the reading frame. The frequency data for this variant in the population databases is considered unreliable, as metrics indicate poor data quality at this position in the gnomAD database. This variant has not been reported in the literature in individuals affected with CACNA1F-related conditions. ClinVar contains an entry for this variant (Variation ID: 593126). Experimental studies and prediction algorithms are not available or were not evaluated, and the functional significance of this variant is currently unknown. In summary, the available evidence is currently insufficient to determine the role of this variant in disease. Therefore, it has been classified as a Variant of Uncertain Significance.

Blueprint Genetics
Classification: Likely benign. Last evaluated: 2024-11-15. Review status: criteria provided, single submitter. Criteria: ACMG Guidelines, 2015. Collection method: clinical testing. Allele origin: germline.

Eurofins Ntd Llc (ga)
Classification: Likely benign. Last evaluated: 2017-07-25. Review status: criteria provided, single submitter. Criteria: EGL Classification Definitions 2015. Collection method: clinical testing. Allele origin: germline. Observed: 1 variant allele, 1 heterozygote.

PreventionGenetics, part of Exact Sciences
Classification: Likely benign for CACNA1F-related condition. Last evaluated: 2023-06-02. Review status: no assertion criteria provided. Collection method: clinical testing. Allele origin: germline. Not counted in ClinVar's aggregate classification.
Comment: This variant is classified as likely benign based on ACMG/AMP sequence variant interpretation guidelines (Richards et al. 2015 PMID: 25741868, with internal and published modifications).

NM_001256789.3(CACNA1F):c.2415AGAGGAAGA[2] (p.Glu812_Glu814del)

Gene: CACNA1F (calcium voltage-gated channel subunit alpha1 F; minus strand). Cytogenetic location: Xp11.23.
Variant type: Microsatellite.
Coding change: c.2415AGAGGAAGA[2] on transcript NM_001256789.3 (MANE Select); two copies in a row of the 9-base unit AGAGGAAGA starting at c.2415; the reference has three copies in a row; one copy, 9 bases deleted.
Protein change: p.Glu812_Glu814del.
Molecular consequence: inframe deletion.
Genome position (GRCh38, 1-based): chrX:49,219,736-49,219,744, TCTTCCTCT deleted on the plus strand (AGAGGAAGA on the coding strand, the reverse complement: CACNA1F is on the minus strand); deleting any 9 consecutive bases within chrX:49,219,736-49,219,770 gives the same sequence; the position shown is the placement nearest the transcript's 3' end. VCF-style (leftmost placement, unchanged base first): chrX-49219735-CTCTTCCTCT-C. GRCh37 (hg19) VCF-style: chrX-49076194-CTCTTCCTCT-C.
Other names: c.2253AGAGGAAGA[2], p.Glu758_Glu760del (NM_001256790.3); c.2448AGAGGAAGA[2], p.Glu823_Glu825del (NM_005183.4); c.2466_2474del9 (NM_005183.3).
Identifiers: ClinVar variation 593126 (VCV000593126.15), dbSNP rs59355923, ClinGen allele CA10410666.